The following is an entry in ClinVar:

NM_015271.5(TRIM2):c.454-2106A>C

Gene: TRIM2 (tripartite motif containing 2; plus strand). Cytogenetic location: 4q31.3.
Variant type: single nucleotide variant.
Coding change: c.454-2106A>C on transcript NM_015271.5 (MANE Select); 2106 bases into the intron before coding-DNA position 454, A replaced by C.
Molecular consequence: intron variant. On other transcripts: synonymous variant (2).
Genome position (GRCh38, 1-based): chr4:153,290,876, A>C. VCF-style: chr4-153290876-A-C. GRCh37 (hg19) VCF-style: chr4-154212028-A-C.
Other names: c.516A>C, p.Pro172= (NM_001375488.1); c.513A>C, p.Pro171= (NM_001375489.1); c.373-2106A>C (NM_001375517.1, NM_001375514.1, NM_001351056.2 and 5 more transcripts); c.115-2106A>C (NM_001375525.1, NM_001375523.1, NM_001375522.1); c.-3-2106A>C (NM_001351057.2); c.454-2106A>C (NM_001375490.1); c.454-4437A>C (NM_001375519.1); c.451-2106A>C (NM_001375491.1); and 3 more.
Identifiers: ClinVar variation 3067612 (VCV003067612.21), dbSNP rs1026010658, ClinGen allele CA107912817.

ClinVar aggregate classification (germline): Likely benign (1 of 4 stars; one submission).

Allele frequency attached by ClinVar (database versions not stated): gnomAD 0.00001; TOPMed 0.00003.
gnomAD v4.1: 2 of 152,024 alleles (0.0013%); highest among the groups gnomAD compares: Admixed American, 0.0065%; no homozygotes.

Submission:

CeGaT Center for Human Genetics Tuebingen
Classification: Likely benign. Last evaluated: 2024-02-01. Review status: criteria provided, single submitter. Criteria: CeGaT Center For Human Genetics Tuebingen Variant Classification Criteria Version 2. Collection method: clinical testing. Allele origin: germline. Affected: yes. Observed: 1 variant allele.
Comment: TRIM2: BP4, BP7